The following is an entry in ClinVar:

NM_003803.4(MYOM1):c.28C>T (p.His10Tyr)

Gene: MYOM1 (myomesin 1; minus strand). Cytogenetic location: 18p11.31.
Variant type: single nucleotide variant.
Coding change: c.28C>T on transcript NM_003803.4 (MANE Select); coding-DNA position 28, C replaced by T.
Protein change: p.His10Tyr; replaces histidine 10 with tyrosine.
Molecular consequence: missense variant.
Genome position (GRCh38, 1-based): chr18:3,215,196, G>A on the plus strand (C>T on the coding strand, the complement: MYOM1 is on the minus strand). VCF-style: chr18-3215196-G-A. GRCh37 (hg19) VCF-style: chr18-3215194-G-A.
Other names: c.28C>T, p.His10Tyr (NM_019856.2); short protein forms H10Y.
Identifiers: ClinVar variation 3711484 (VCV003711484.3).

ClinVar aggregate classification (germline): Uncertain significance. Review status: criteria provided, multiple submitters, no conflicts (2 of 4 stars). 2 submissions from 2 submitters: Uncertain significance (2). Last evaluated 2025-03-03.

Conditions:
Hypertrophic cardiomyopathy. Also called: HYPERTROPHIC MYOCARDIOPATHY. Identifiers: Orphanet 217569, MedGen C0007194, MeSH D002312, MONDO:0005045, HP:0001639.

gnomAD v4.1: 3 of 1,612,308 alleles (0.00019%); highest among the groups gnomAD compares: Non-Finnish European, 0.00025%; no homozygotes.

Submissions (2):

Ambry Genetics
Classification: Uncertain significance. Last evaluated: 2025-03-03. Review status: criteria provided, single submitter. Criteria: Ambry Variant Classification Scheme 2023. Collection method: clinical testing. Allele origin: germline.
Comment: The p.H10Y variant (also known as c.28C>T), located in coding exon 1 of the MYOM1 gene, results from a C to T substitution at nucleotide position 28. The histidine at codon 10 is replaced by tyrosine, an amino acid with similar properties. This amino acid position is conserved. In addition, this alteration is predicted to be tolerated by in silico analysis. Based on the available evidence, the clinical significance of this variant remains unclear.

Labcorp Genetics (formerly Invitae), Labcorp
Classification: Uncertain significance for Hypertrophic cardiomyopathy. Last evaluated: 2024-04-26. Review status: criteria provided, single submitter. Criteria: Invitae Variant Classification Sherloc (09022015). Collection method: clinical testing. Allele origin: germline.
Comment: This sequence change replaces histidine, which is basic and polar, with tyrosine, which is neutral and polar, at codon 10 of the MYOM1 protein (p.His10Tyr). This variant is present in population databases (rs780541568, gnomAD 0.0008%). This variant has not been reported in the literature in individuals affected with MYOM1-related conditions. Algorithms developed to predict the effect of missense changes on protein structure and function output the following: SIFT: "Not Available"; PolyPhen-2: "Benign"; Align-GVGD: "Not Available". The tyrosine amino acid residue is found in multiple mammalian species, which suggests that this missense change does not adversely affect protein function. In summary, the available evidence is currently insufficient to determine the role of this variant in disease. Therefore, it has been classified as a Variant of Uncertain Significance.